The following is an entry in ClinVar:

ClinVar aggregate classification (germline): Benign/Likely benign. Review status: criteria provided, multiple submitters, no conflicts (2 of 4 stars). 3 submissions from 3 submitters: Benign (1); Likely benign (2). Last evaluated 2025-01-06.

Conditions:
Hereditary nonpolyposis colorectal neoplasms. Identifiers: MedGen C0009405, MeSH D003123.
Hereditary cancer-predisposing syndrome. Also called: Hereditary neoplastic syndrome; Neoplastic Syndromes, Hereditary; Tumor predisposition; Hereditary Cancer Syndrome. Identifiers: Orphanet 140162, MedGen C0027672, MeSH D009386, MONDO:0015356.
Lynch syndrome 5 (LYNCH5). Also called: Hereditary non-polyposis colorectal cancer, type 5; Colorectal cancer, hereditary nonpolyposis, type 5. Identifiers: Orphanet 144, MedGen C1833477, MONDO:0013710, OMIM 614350. Disease mechanism: loss of function.

gnomAD v4.1: 6 of 1,614,136 alleles (0.00037%); highest among the groups gnomAD compares: Non-Finnish European, 0.00051%; no homozygotes.

Submissions (3):

Myriad Genetics, Inc.
Classification: Benign for Lynch syndrome 5. Last evaluated: 2025-01-06. Review status: criteria provided, single submitter. Criteria: Myriad Autosomal Dominant, Autosomal Recessive and X-Linked Classification Criteria (2023). Collection method: clinical testing. Allele origin: unknown.
Comment: This variant is considered benign. This variant is a silent/synonymous amino acid change and it is not expected to impact splicing.

Labcorp Genetics (formerly Invitae), Labcorp
Classification: Likely benign for Hereditary nonpolyposis colorectal neoplasms. Last evaluated: 2022-10-21. Review status: criteria provided, single submitter. Criteria: Invitae Variant Classification Sherloc (09022015). Collection method: clinical testing. Allele origin: germline.

Ambry Genetics
Classification: Likely benign for Hereditary cancer-predisposing syndrome. Last evaluated: 2014-07-23. Review status: criteria provided, single submitter. Criteria: Ambry Variant Classification Scheme 2023. Collection method: clinical testing. Allele origin: germline.

NM_000179.3(MSH6):c.3381C>G (p.Ala1127=)

Gene: MSH6 (mutS homolog 6; plus strand). Cytogenetic location: 2p16.3.
Variant type: single nucleotide variant.
Coding change: c.3381C>G on transcript NM_000179.3 (MANE Select); coding-DNA position 3381, C replaced by G.
Protein change: p.Ala1127=; no amino-acid change (alanine 1127 retained).
Molecular consequence: synonymous variant.
Genome position (GRCh38, 1-based): chr2:47,803,628, C>G. VCF-style: chr2-47803628-C-G. GRCh37 (hg19) VCF-style: chr2-48030767-C-G.
Other names: c.2991C>G, p.Ala997= (NM_001281492.2); c.2475C>G, p.Ala825= (NM_001281493.2, NM_001281494.2).
Identifiers: ClinVar variation 185818 (VCV000185818.11), dbSNP rs786202480, ClinGen allele CA012715.